The following is an entry in ClinVar:

NM_000444.6(PHEX):c.933+2T>A

Gene: PHEX (phosphate regulating endopeptidase X-linked; plus strand). Cytogenetic location: Xp22.11.
Variant type: single nucleotide variant.
Coding change: c.933+2T>A on transcript NM_000444.6 (MANE Select); the canonical splice donor site of the intron after coding-DNA position 933, T replaced by A.
Molecular consequence: splice donor variant.
Genome position (GRCh38, 1-based): chrX:22,097,040, T>A. VCF-style: chrX-22097040-T-A. GRCh37 (hg19) VCF-style: chrX-22115158-T-A.
Other names: c.933+2T>A (NM_001282754.2).
Identifiers: ClinVar variation 1686036 (VCV001686036.3), dbSNP rs2147043777, ClinGen allele CA412572722.

ClinVar aggregate classification (germline): Pathogenic. Review status: criteria provided, multiple submitters, no conflicts (2 of 4 stars). 2 submissions from 2 submitters: Pathogenic (2). Last evaluated 2025-01-08.

Conditions:
Familial X-linked hypophosphatemic vitamin D refractory rickets (XLHRD). Also called: Hypophosphatemic Rickets, X-Linked Dominant; X-Linked Hypophosphatemia; HYPOPHOSPHATEMIC VITAMIN D-RESISTANT RICKETS; Hypophosphatemia, vitamin D-resistant rickets; Vitamin D-resistant rickets, X-linked. Identifiers: Orphanet 89936, MedGen C0733682, MONDO:0010619, OMIM 307800.

Submissions (2):

Labcorp Genetics (formerly Invitae), Labcorp
Classification: Pathogenic. Last evaluated: 2025-01-08. Review status: criteria provided, single submitter. Criteria: Invitae Variant Classification Sherloc (09022015). Collection method: clinical testing. Allele origin: germline.
Comment: This sequence change affects a donor splice site in intron 8 of the PHEX gene. It is expected to disrupt RNA splicing. Variants that disrupt the donor or acceptor splice site typically lead to a loss of protein function (PMID: 16199547), and loss-of-function variants in PHEX are known to be pathogenic (PMID: 9097956, 9106524, 19219621). This variant is not present in population databases (gnomAD no frequency). Disruption of this splice site has been observed in individual(s) with hypophosphatemic rickets (PMID: 9199930, 32253725). In at least one individual the variant was observed to be de novo. ClinVar contains an entry for this variant (Variation ID: 1686036). Algorithms developed to predict the effect of sequence changes on RNA splicing suggest that this variant may disrupt the consensus splice site. For these reasons, this variant has been classified as Pathogenic.

Mendelics
Classification: Pathogenic for Familial X-linked hypophosphatemic vitamin D refractory rickets. Last evaluated: 2022-05-04. Review status: criteria provided, single submitter. Criteria: Mendelics Assertion Criteria 2019. Collection method: clinical testing. Allele origin: germline.

Literature cited by the submitters: PubMed 16199547 (cited by Labcorp Genetics (formerly Invitae), Labcorp); PubMed 9097956 (cited by Labcorp Genetics (formerly Invitae), Labcorp); PubMed 9106524 (cited by Labcorp Genetics (formerly Invitae), Labcorp); PubMed 19219621 (cited by Labcorp Genetics (formerly Invitae), Labcorp); PubMed 9199930 (cited by Labcorp Genetics (formerly Invitae), Labcorp); PubMed 32253725 (cited by Labcorp Genetics (formerly Invitae), Labcorp).